The following is an entry in ClinVar:

ClinVar aggregate classification (germline): Uncertain significance (1 of 4 stars; one submission).

Submission:

GeneDx
Classification: Uncertain significance. Last evaluated: 2023-06-26. Review status: criteria provided, single submitter. Criteria: GeneDx Variant Classification Process June 2021. Collection method: clinical testing. Allele origin: germline. Affected: yes.
Comment: Not observed at significant frequency in large population cohorts (gnomAD); Nonsense variant predicted to result in protein truncation or nonsense mediated decay in a gene or region of a gene for which loss of function is not a well-established mechanism of disease; Has not been previously published as pathogenic or benign to our knowledge

NM_001130004.2(ACTN1):c.790A>T (p.Lys264Ter)

Gene: ACTN1 (actinin alpha 1; minus strand). Cytogenetic location: 14q24.1.
Variant type: single nucleotide variant.
Coding change: c.790A>T on transcript NM_001130004.2 (MANE Select); coding-DNA position 790, A replaced by T.
Protein change: p.Lys264Ter; replaces lysine 264 with a stop codon.
Molecular consequence: nonsense. On other transcripts: 5 prime UTR variant (1).
Genome position (GRCh38, 1-based): chr14:68,893,720, T>A on the plus strand (A>T on the coding strand, the complement: ACTN1 is on the minus strand). VCF-style: chr14-68893720-T-A. GRCh37 (hg19) VCF-style: chr14-69360437-T-A.
Other names: c.790A>T, p.Lys264Ter (NM_001102.4, NM_001130005.2, NM_001411035.1 and 9 more transcripts); c.595A>T, p.Lys199Ter (NM_001411036.1, NM_001424026.1, NM_001424028.1); c.916A>T, p.Lys306Ter (NM_001424013.1); c.877A>T, p.Lys293Ter (NM_001424015.1); c.787A>T, p.Lys263Ter (NM_001424017.1); c.727A>T, p.Lys243Ter (NM_001424018.1, NM_001424020.1, NM_001424022.1); c.721A>T, p.Lys241Ter (NM_001424021.1); c.-36A>T (NM_001424030.1); short protein forms K199*, K241*, K243*, K263*, K264*, K293*, K306*.
Identifiers: ClinVar variation 3360535 (VCV003360535.1).
Genomic context (GRCh38, chr14:68,893,720, plus strand): 5'-TGGCCAGCTTCTCGTAGTCTTCCATAAGCTGCTCGTTCTCCTGGTTGACGGCCAACACCT[T>A]GCAGATGCGATTGGCTGCTGTCTCCGCCTGGCAACAAGACAGAGAGAGTCACGACCAGCC-3'